The following is an entry in ClinVar:

ClinVar aggregate classification (germline): Pathogenic (1 of 4 stars; one submission).

Conditions:
Familial cancer of breast. Also called: BREAST CANCER, FAMILIAL; Hereditary breast cancer; hereditary breast carcinoma. Identifiers: Orphanet 227535, MedGen C0346153, MONDO:0016419, OMIM 114480. Disease mechanism: loss of function.

Submission:

Myriad Genetics, Inc.
Classification: Pathogenic for Familial cancer of breast. Last evaluated: 2024-01-16. Review status: criteria provided, single submitter. Criteria: Myriad Autosomal Dominant, Autosomal Recessive and X-Linked Classification Criteria (2023). Collection method: clinical testing. Allele origin: unknown.
Comment: This variant is considered pathogenic. This variant creates a frameshift predicted to result in premature protein truncation.

NM_000051.4(ATM):c.1882del (p.Gln628fs)

Gene: ATM (ATM serine/threonine kinase; plus strand). Cytogenetic location: 11q22.3.
Variant type: Deletion.
Coding change: c.1882del on transcript NM_000051.4 (MANE Select); coding-DNA position 1882, one base deleted (C; older notation c.1882delC).
Protein change: p.Gln628fs; shifts the reading frame from glutamine 628.
Molecular consequence: frameshift variant.
Genome position (GRCh38, 1-based): chr11:108,252,896, C deleted; the last of 2 consecutive C bases (chr11:108,252,895-108,252,896); deleting either gives the same sequence. VCF-style (leftmost placement, unchanged base first): chr11-108252894-TC-T. GRCh37 (hg19) VCF-style: chr11-108123621-TC-T.
Other names: c.1882del, p.Gln628fs (NM_001351834.2); short protein forms Q628fs.
Identifiers: ClinVar variation 3148578 (VCV003148578.1), dbSNP rs2497292189, ClinGen allele CA2825001804.
Genomic context (GRCh38, chr11:108,252,894, plus strand): 5'-TACTGGAGAAAATTCTTGTGAGTCTCACTATGAAAAACTGTAAAGCTGCAATGAATTTTT[TC>T]CAAAGCGTGCCAGAATGGTATGTTATCTAATAATGCTCTTTATCATTTTAAGCTATAGCT-3'